The following is an entry in ClinVar:

NM_017570.5(OPLAH):c.3720+8C>T

Gene: OPLAH (5-oxoprolinase, ATP-hydrolysing; minus strand). Cytogenetic location: 8q24.3.
Variant type: single nucleotide variant.
Coding change: c.3720+8C>T on transcript NM_017570.5 (MANE Select); 8 bases into the intron after coding-DNA position 3720, C replaced by T.
Molecular consequence: intron variant.
Genome position (GRCh38, 1-based): chr8:144,051,721, G>A on the plus strand (C>T on the coding strand, the complement: OPLAH is on the minus strand). VCF-style: chr8-144051721-G-A. GRCh37 (hg19) VCF-style: chr8-145106622-G-A.
Identifiers: ClinVar variation 714648 (VCV000714648.9), dbSNP rs374770909, ClinGen allele CA4931050.

ClinVar aggregate classification (germline): Benign/Likely benign. Review status: criteria provided, multiple submitters, no conflicts (2 of 4 stars). 3 submissions from 3 submitters: Benign (2); Likely benign (1). Last evaluated 2025-12-30.

Conditions:
OPLAH-related disorder. Also called: OPLAH-related condition.
5-Oxoprolinase deficiency (OPLAHD). Also called: 5-OXOPROLINURIA DUE TO 5-OXOPROLINASE DEFICIENCY. Identifiers: Orphanet 33572, MedGen C0268525, MONDO:0009825, OMIM 260005, HP:0040142.

Allele frequency attached by ClinVar (database versions not stated): gnomAD exomes 0.00179; ExAC 0.00310; gnomAD 0.00633 and 0.00674; ESP Exome Variant Server 0.00652; TOPMed 0.00725; 1000 Genomes Project 0.00779; 1000 Genomes Project 30x 0.00843.
gnomAD v4.1: 2,016 of 1,592,084 alleles (0.13%); highest among the groups gnomAD compares: African/African-American, 2.3%; 18 homozygotes.

Submissions (3):

Labcorp Genetics (formerly Invitae), Labcorp
Classification: Benign for 5-Oxoprolinase deficiency. Last evaluated: 2025-12-30. Review status: criteria provided, single submitter. Criteria: Invitae Variant Classification Sherloc (09022015). Collection method: clinical testing. Allele origin: germline.

PreventionGenetics, part of Exact Sciences
Classification: Benign for OPLAH-related condition. Last evaluated: 2025-02-26. Review status: criteria provided, single submitter. Criteria: ACMG Guidelines, 2015. Collection method: clinical testing. Allele origin: germline.
Comment: This variant is classified as benign based on ACMG/AMP sequence variant interpretation guidelines (Richards et al. 2015 PMID: 25741868, with internal and published modifications).

Fulgent Genetics
Classification: Likely benign for 5-Oxoprolinase deficiency. Last evaluated: 2021-07-30. Review status: criteria provided, single submitter. Criteria: ACMG Guidelines, 2015. Collection method: clinical testing. Allele origin: unknown.